The following is an entry in ClinVar:

ClinVar aggregate classification (germline): Likely pathogenic (1 of 4 stars; one submission).

Conditions:
Fanconi anemia (FA). Also called: Fanconi's anemia. Identifiers: Orphanet 84, MedGen C0015625, MeSH D005199, MONDO:0019391.

Submission:

Labcorp Genetics (formerly Invitae), Labcorp
Classification: Likely pathogenic for Fanconi anemia. Last evaluated: 2024-06-28. Review status: criteria provided, single submitter. Criteria: Invitae Variant Classification Sherloc (09022015). Collection method: clinical testing. Allele origin: germline.
Comment: This sequence change affects an acceptor splice site in intron 2 of the FANCM gene. It is expected to disrupt RNA splicing. Variants that disrupt the donor or acceptor splice site typically lead to a loss of protein function (PMID: 16199547), and loss-of-function variants in FANCM are known to be pathogenic (PMID: 29895858, 30075111). This variant is not present in population databases (gnomAD no frequency). This variant has not been reported in the literature in individuals affected with FANCM-related conditions. ClinVar contains an entry for this variant (Variation ID: 859579). Algorithms developed to predict the effect of sequence changes on RNA splicing suggest that this variant may disrupt the consensus splice site. In summary, the currently available evidence indicates that the variant is pathogenic, but additional data are needed to prove that conclusively. Therefore, this variant has been classified as Likely Pathogenic.

Literature cited by the submitters: PubMed 16199547; PubMed 29895858; PubMed 30075111.

NM_020937.4(FANCM):c.682-2A>G

Gene: FANCM (FA complementation group M; plus strand). Cytogenetic location: 14q21.2.
Variant type: single nucleotide variant.
Coding change: c.682-2A>G on transcript NM_020937.4 (MANE Select); the canonical splice acceptor site of the intron before coding-DNA position 682, A replaced by G.
Molecular consequence: splice acceptor variant. On other transcripts: intron variant (1).
Genome position (GRCh38, 1-based): chr14:45,140,630, A>G. VCF-style: chr14-45140630-A-G. GRCh37 (hg19) VCF-style: chr14-45609833-A-G.
Other names: c.681+3389A>G (NM_001308133.2); c.682-2A>G (NM_001308134.2).
Identifiers: ClinVar variation 859579 (VCV000859579.8), dbSNP rs1885847871, ClinGen allele CA389589022.